The following is an entry in ClinVar:

NM_022370.4(ROBO3):c.850G>A (p.Asp284Asn)

Gene: ROBO3 (roundabout guidance receptor 3; plus strand). Cytogenetic location: 11q24.2.
Variant type: single nucleotide variant.
Coding change: c.850G>A on transcript NM_022370.4 (MANE Select); coding-DNA position 850, G replaced by A.
Protein change: p.Asp284Asn; replaces aspartic acid 284 with asparagine.
Molecular consequence: missense variant.
Genome position (GRCh38, 1-based): chr11:124,870,248, G>A. VCF-style: chr11-124870248-G-A. GRCh37 (hg19) VCF-style: chr11-124740144-G-A.
Other names: short protein forms D284N.
Identifiers: ClinVar variation 303230 (VCV000303230.36), dbSNP rs142090631, ClinGen allele CA6343311.

ClinVar aggregate classification (germline): Conflicting classifications of pathogenicity. Review status: criteria provided, conflicting classifications (1 of 4 stars). 5 submissions from 5 submitters: Uncertain significance (1); Benign (1); Likely benign (3). Last evaluated 2026-06-01.

Conditions:
Gaze palsy, familial horizontal, with progressive scoliosis 1 (HGPPS1). Identifiers: Orphanet 2744, MedGen C4551964, MONDO:0020790, OMIM 607313.
Inborn genetic diseases. Identifiers: MedGen C0950123, MeSH D030342.

Allele frequency attached by ClinVar (database versions not stated): ESP Exome Variant Server 0.00533; TOPMed 0.00556; 1000 Genomes Project 30x 0.00328; 1000 Genomes Project 0.00359; ExAC 0.00447; gnomAD 0.00493 and 0.00496; gnomAD exomes 0.00496.
gnomAD v4.1: 10,648 of 1,614,056 alleles (0.66%); highest among the groups gnomAD compares: Middle Eastern, 2.9%; 44 homozygotes.

Submissions (5):

CeGaT Center for Human Genetics Tuebingen
Classification: Likely benign. Last evaluated: 2026-06-01. Review status: criteria provided, single submitter. Criteria: CeGaT Center For Human Genetics Tuebingen Variant Classification Criteria Version 2. Collection method: clinical testing. Allele origin: germline. Affected: yes. Observed: 6 variant alleles.
Comment: ROBO3: BP4, BS2

Ambry Genetics
Classification: Uncertain significance for Inborn genetic diseases. Last evaluated: 2021-09-16. Review status: criteria provided, single submitter. Criteria: Ambry Variant Classification Scheme 2023. Collection method: clinical testing. Allele origin: germline.

Labcorp Genetics (formerly Invitae), Labcorp
Classification: Benign. Last evaluated: 2019-12-31. Review status: criteria provided, single submitter. Criteria: Invitae Variant Classification Sherloc (09022015). Collection method: clinical testing. Allele origin: germline.

Illumina Laboratory Services, Illumina
Classification: Likely benign for Gaze palsy, familial horizontal, with progressive scoliosis 1. Last evaluated: 2018-01-13. Review status: criteria provided, single submitter. Criteria: ICSL Variant Classification Criteria 13 December 2019. Collection method: clinical testing. Allele origin: germline.
Comment: This variant was observed in the ICSL laboratory as part of a predisposition screen in an ostensibly healthy population. It had not been previously curated by ICSL or reported in the Human Gene Mutation Database (HGMD: prior to June 1st, 2018), and was therefore a candidate for classification through an automated scoring system. Utilizing variant allele frequency, disease prevalence and penetrance estimates, and inheritance mode, an automated score was calculated to assess if this variant is too frequent to cause the disease. Based on the score and internal cut-off values, a variant classified as likely benign is not then subjected to further curation. The score for this variant resulted in a classification of likely benign for this disease.

Breakthrough Genomics
Classification: Likely benign. Review status: criteria provided, single submitter. Criteria: ACMG Guidelines, 2015. Collection method: not provided. Allele origin: germline. Inheritance: Autosomal recessive inheritance. Affected: yes.